The following is an entry in ClinVar:

NM_006765.4(TUSC3):c.567+1G>C

Gene: TUSC3 (tumor suppressor candidate 3; plus strand). Cytogenetic location: 8p22.
Variant type: single nucleotide variant.
Coding change: c.567+1G>C on transcript NM_006765.4 (MANE Select); the canonical splice donor site of the intron after coding-DNA position 567, G replaced by C.
Molecular consequence: splice donor variant.
Genome position (GRCh38, 1-based): chr8:15,659,648, G>C. VCF-style: chr8-15659648-G-C. GRCh37 (hg19) VCF-style: chr8-15517157-G-C.
Other names: c.507+1G>C (NM_001413670.1); c.399+1G>C (NM_001413672.1, NM_001413671.1, NM_001413669.1); c.567+1G>C (NM_178234.2, NM_001413685.1, NM_001413684.1 and 16 more transcripts); c.135+1G>C (NM_001413677.1); c.561+1G>C (NM_001413690.1); c.180+1G>C (NM_001413678.1).
Identifiers: ClinVar variation 3778770 (VCV003778770.1).

ClinVar aggregate classification (germline): Pathogenic (1 of 4 stars; one submission).

Conditions:
Intellectual developmental disorder, autosomal recessive 7. Also called: Intellectual disability, autosomal recessive 7. Identifiers: Orphanet 88616, MedGen C1970197, MONDO:0012615, OMIM 611093.

Submission:

Daryl Scott Lab, Baylor College of Medicine
Classification: Pathogenic for Intellectual developmental disorder, autosomal recessive 7. Last evaluated: 2024-04-01. Review status: criteria provided, single submitter. Criteria: ACMG Guidelines, 2015. Collection method: clinical testing. Allele origin: paternal. Observed: 1 heterozygote.
Comment: PVS1, PM2, PM3